The following is an entry in ClinVar:

NM_001875.5(CPS1):c.1576delinsAATAGG (p.Leu526fs)

Gene: CPS1 (carbamoyl-phosphate synthase 1; plus strand). Cytogenetic location: 2q34.
Variant type: Indel.
Coding change: c.1576delinsAATAGG on transcript NM_001875.5 (MANE Select); coding-DNA position 1576, C replaced by AATAGG.
Protein change: p.Leu526fs; shifts the reading frame from leucine 526.
Molecular consequence: frameshift variant. On other transcripts: non-coding transcript variant (2).
Genome position (GRCh38, 1-based): chr2:210,600,581, C replaced by AATAGG. VCF-style: chr2-210600581-C-AATAGG. GRCh37 (hg19) VCF-style: chr2-211465305-C-AATAGG.
Other names: c.1576delinsAATAGG, p.Leu526fs (NM_001122633.3, NM_001369257.1); c.1609delinsAATAGG, p.Leu537fs (NM_001369256.1); short protein forms L526fs, L537fs.
Identifiers: ClinVar variation 5012532 (VCV005012532.1).

ClinVar aggregate classification (germline): Pathogenic (1 of 4 stars; one submission).

Conditions:
Congenital hyperammonemia, type I. Also called: CPS I DEFICIENCY; Carbamoyl phosphate synthetase 1 deficiency; Hyperammonemia due to carbamoyl phosphate synthetase 1 deficiency; CPS 1 deficiency; Carbamyl phosphate synthetase (CPS) deficiency; Carbamoyl phosphate synthetase I deficiency disease. Identifiers: Orphanet 147, MedGen C4082171, MONDO:0009376, OMIM 237300.

Submission:

Myriad Genetics, Inc.
Classification: Pathogenic for Congenital hyperammonemia, type I. Last evaluated: 2023-12-02. Review status: criteria provided, single submitter. Criteria: Myriad Autosomal Dominant, Autosomal Recessive and X-Linked Classification Criteria (2023). Collection method: clinical testing. Allele origin: unknown.
Comment: NM_001875.4(CPS1):c.1576del1ins6(L526Nfs*8) is expected to be pathogenic in the context of carbamoylphosphate synthetase I deficiency. This variant is predicted to lead to an abnormal or absent protein product due to the creation of a premature termination codon in CPS1, a gene where loss-of-function variants are known to be pathogenic. Please note: this variant was assessed in the context of healthy population screening.